The following is an entry in ClinVar:

ClinVar aggregate classification (germline): Uncertain significance (1 of 4 stars; one submission).

Conditions:
Charcot-Marie-Tooth disease axonal type 2O. Also called: CHARCOT-MARIE-TOOTH NEUROPATHY, AXONAL, TYPE 2O; CHARCOT-MARIE-TOOTH DISEASE, AXONAL, AUTOSOMAL DOMINANT, TYPE 2O; Charcot-Marie-Tooth Neuropathy Type 2O; Charcot-Marie-Tooth disease, axonal, type 20. Identifiers: Orphanet 284232, MedGen C3280220, MONDO:0013644, OMIM 614228.

Submission:

Labcorp Genetics (formerly Invitae), Labcorp
Classification: Uncertain significance for Charcot-Marie-Tooth disease axonal type 2O. Last evaluated: 2025-12-16. Review status: criteria provided, single submitter. Criteria: Invitae Variant Classification Sherloc (09022015). Collection method: clinical testing. Allele origin: germline.
Comment: This sequence change falls in intron 22 of the DYNC1H1 gene. It does not directly change the encoded amino acid sequence of the DYNC1H1 protein. It affects a nucleotide within the consensus splice site. This variant is not present in population databases (gnomAD no frequency). This variant has not been reported in the literature in individuals affected with DYNC1H1-related conditions. ClinVar contains an entry for this variant (Variation ID: 472537). Variants that disrupt the consensus splice site are a relatively common cause of aberrant splicing (PMID: 17576681, 9536098). Algorithms developed to predict the effect of sequence changes on RNA splicing suggest that this variant is not likely to affect RNA splicing. In summary, the available evidence is currently insufficient to determine the role of this variant in disease. Therefore, it has been classified as a Variant of Uncertain Significance.

Literature cited by the submitters: PubMed 17576681; PubMed 9536098.

NM_001376.5(DYNC1H1):c.4709+6G>T

Gene: DYNC1H1 (dynein cytoplasmic 1 heavy chain 1; plus strand). Cytogenetic location: 14q32.31.
Variant type: single nucleotide variant.
Coding change: c.4709+6G>T on transcript NM_001376.5 (MANE Select); 6 bases into the intron after coding-DNA position 4709, G replaced by T.
Molecular consequence: intron variant.
Genome position (GRCh38, 1-based): chr14:102,002,709, G>T. VCF-style: chr14-102002709-G-T. GRCh37 (hg19) VCF-style: chr14-102469046-G-T.
Identifiers: ClinVar variation 472537 (VCV000472537.10), dbSNP rs1555409403, ClinGen allele CA658658275.